The following is an entry in ClinVar:

ClinVar aggregate classification (germline): Conflicting classifications of pathogenicity. Review status: criteria provided, conflicting classifications (1 of 4 stars). 5 submissions from 5 submitters: Uncertain significance (2); Likely benign (3). Last evaluated 2026-06-23.

Conditions:
Hereditary cancer-predisposing syndrome. Also called: Tumor predisposition; Neoplastic Syndromes, Hereditary; Hereditary Cancer Syndrome; Hereditary neoplastic syndrome. Identifiers: Orphanet 140162, MedGen C0027672, MeSH D009386, MONDO:0015356.
Tuberous sclerosis syndrome (TSC). Also called: Tuberous Sclerosis Complex; Tuberous sclerosis. Identifiers: Orphanet 805, MedGen C0041341, MONDO:0001734.
Tuberous sclerosis 2 (TSC2). Identifiers: Orphanet 805, MedGen C1860707, MONDO:0013199, OMIM 613254.

Allele frequency attached by ClinVar (database versions not stated): TOPMed below 0.00001; gnomAD exomes 0.00001 and below 0.00001.
gnomAD v4.1: 6 of 1,612,884 alleles (0.00037%); highest among the groups gnomAD compares: Non-Finnish European, 0.00042%; no homozygotes.

Submissions (5):

Ambry Genetics
Classification: Uncertain significance for Hereditary cancer-predisposing syndrome. Last evaluated: 2026-06-23. Review status: criteria provided, single submitter. Criteria: Ambry Variant Classification Scheme 2023. Collection method: clinical testing. Allele origin: germline.
Comment: The c.3428A>T (p.D1143V) alteration is located in exon 30 (coding exon 29) of the TSC2 gene. This alteration results from a A to T substitution at nucleotide position 3428, causing the aspartic acid (D) at amino acid position 1143 to be replaced by a valine (V). Based on data from gnomAD, the T allele has an overall frequency of <0.001% (1/250350) total alleles studied. The highest observed frequency was 0.001% (1/112830) of European (non-Finnish) alleles. Based on insufficient or conflicting evidence, the clinical significance of this alteration remains unclear.

Labcorp Genetics (formerly Invitae), Labcorp
Classification: Likely benign for Tuberous sclerosis 2. Last evaluated: 2025-11-10. Review status: criteria provided, single submitter. Criteria: Invitae Variant Classification Sherloc (09022015). Collection method: clinical testing. Allele origin: germline.

Color Diagnostics, LLC DBA Color Health
Classification: Uncertain significance for Tuberous sclerosis syndrome. Last evaluated: 2025-07-11. Review status: criteria provided, single submitter. Criteria: ACMG Guidelines, 2015. Collection method: clinical testing. Allele origin: germline.
Comment: This missense variant replaces aspartic acid with valine at codon 1143 of the TSC2 protein. Computational prediction is inconclusive regarding the impact of this variant on protein structure and function. To our knowledge, functional studies have not been reported for this variant. This variant has not been reported in individuals affected with TSC2-related disorders in the literature. This variant has been identified in 1/250350 chromosomes in the general population by the Genome Aggregation Database (gnomAD). The available evidence is insufficient to determine the role of this variant in disease conclusively. Therefore, this variant is classified as a Variant of Uncertain Significance.

Genome-Nilou Lab
Classification: Likely benign for Tuberous sclerosis 2. Last evaluated: 2021-11-07. Review status: criteria provided, single submitter. Criteria: ACMG Guidelines, 2015. Collection method: clinical testing. Allele origin: germline. Affected: no.

GeneDx
Classification: Likely benign. Last evaluated: 2018-07-26. Review status: criteria provided, single submitter. Criteria: GeneDx Variant Classification Process June 2021. Collection method: clinical testing. Allele origin: germline. Affected: yes.

NM_000548.5(TSC2):c.3428A>T (p.Asp1143Val)

Gene: TSC2 (TSC complex subunit 2; plus strand). Cytogenetic location: 16p13.3.
Variant type: single nucleotide variant.
Coding change: c.3428A>T on transcript NM_000548.5 (MANE Select); coding-DNA position 3428, A replaced by T.
Protein change: p.Asp1143Val; replaces aspartic acid 1143 with valine.
Molecular consequence: missense variant.
Genome position (GRCh38, 1-based): chr16:2,080,195, A>T. VCF-style: chr16-2080195-A-T. GRCh37 (hg19) VCF-style: chr16-2130196-A-T.
Other names: p.D1143V:GAC>GTC; c.3296A>T, p.Asp1099Val (NM_001077183.3, NM_001370404.1); c.3428A>T, p.Asp1143Val (NM_001114382.3); c.3188A>T, p.Asp1063Val (NM_001318827.2); c.3152A>T, p.Asp1051Val (NM_001318829.2); c.2696A>T, p.Asp899Val (NM_001318831.2); c.3329A>T, p.Asp1110Val (NM_001318832.2); c.3299A>T, p.Asp1100Val (NM_001363528.2, NM_001370405.1, NM_021055.3); short protein forms D1143V, D1099V, D1051V, D1100V, D1110V, D1063V, D899V.
Identifiers: ClinVar variation 207745 (VCV000207745.24), dbSNP rs796053495, ClinGen allele CA319512.